The following is an entry in ClinVar:

ClinVar aggregate classification (germline): Pathogenic/Likely pathogenic. Review status: criteria provided, multiple submitters, no conflicts (2 of 4 stars). 2 submissions from 2 submitters: Pathogenic (1); Likely pathogenic (1). Last evaluated 2024-08-21.

Conditions:
Duchenne muscular dystrophy (DMD). Also called: MUSCULAR DYSTROPHY, PSEUDOHYPERTROPHIC PROGRESSIVE, DUCHENNE TYPE; Duchenne Muscular Dystrophy (DMD). Identifiers: Orphanet 98896, MedGen C0013264, MONDO:0010679, OMIM 310200.

Submissions (2):

Revvity Omics, Revvity
Classification: Likely pathogenic. Last evaluated: 2024-08-21. Review status: criteria provided, single submitter. Criteria: ACMG Guidelines, 2015. Collection method: clinical testing. Allele origin: germline.

Labcorp Genetics (formerly Invitae), Labcorp
Classification: Pathogenic for Duchenne muscular dystrophy. Last evaluated: 2020-01-13. Review status: criteria provided, single submitter. Criteria: Invitae Variant Classification Sherloc (09022015). Collection method: clinical testing. Allele origin: germline.
Comment: This sequence change creates a premature translational stop signal (p.Tyr231Serfs*13) in the DMD gene. It is expected to result in an absent or disrupted protein product. This variant is not present in population databases (ExAC no frequency). For these reasons, this variant has been classified as Pathogenic. Loss-of-function variants in DMD are known to be pathogenic (PMID: 16770791, 25007885). This variant has not been reported in the literature in individuals with DMD-related conditions.

Literature cited by the submitters: PubMed 16770791 (cited by Labcorp Genetics (formerly Invitae), Labcorp); PubMed 25007885 (cited by Labcorp Genetics (formerly Invitae), Labcorp).

NM_004006.3(DMD):c.692del (p.Tyr231fs)

Gene: DMD (dystrophin; minus strand). Cytogenetic location: Xp21.1.
Variant type: Deletion.
Coding change: c.692del on transcript NM_004006.3 (MANE Select); coding-DNA position 692, one base deleted (A; older notation c.692delA).
Protein change: p.Tyr231fs; shifts the reading frame from tyrosine 231.
Molecular consequence: frameshift variant.
Genome position (GRCh38, 1-based): chrX:32,699,251, T deleted on the plus strand (A on the coding strand, the reverse complement: DMD is on the minus strand). VCF-style (leftmost placement, unchanged base first): chrX-32699250-GT-G. GRCh37 (hg19) VCF-style: chrX-32717367-GT-G.
Other names: c.692del (NM_004006.2); c.668del, p.Tyr223fs (NM_000109.4); c.680del, p.Tyr227fs (NM_004009.3); c.323del, p.Tyr108fs (NM_004010.3); short protein forms Y108fs, Y223fs, Y227fs, Y231fs.
Identifiers: ClinVar variation 1071598 (VCV001071598.9), dbSNP rs2147606440, ClinGen allele CA2499226664.